The following is an entry in ClinVar:

NM_001319217.2(CYP1A1):c.316del (p.Arg106fs)

Gene: CYP1A1 (cytochrome P450 family 1 subfamily A member 1; minus strand). Cytogenetic location: 15q24.1.
Variant type: Deletion.
Coding change: c.316del on transcript NM_001319217.2 (MANE Select); coding-DNA position 316, one base deleted (C; older notation c.316delC).
Protein change: p.Arg106fs; shifts the reading frame from arginine 106.
Molecular consequence: frameshift variant.
Genome position (GRCh38, 1-based): chr15:74,722,782, G deleted on the plus strand (C on the coding strand, the reverse complement: CYP1A1 is on the minus strand); the first of 2 consecutive G bases (chr15:74,722,782-74,722,783); deleting either gives the same sequence. VCF-style (leftmost placement, unchanged base first): chr15-74722781-CG-C. GRCh37 (hg19) VCF-style: chr15-75015122-CG-C.
Other names: c.316del, p.Arg106fs (NM_000499.5, NM_001319216.2); short protein forms R106fs.
Identifiers: ClinVar variation 3024701 (VCV003024701.22), dbSNP rs34045449, ClinGen allele CA7659563.

ClinVar aggregate classification (germline): Likely benign (1 of 4 stars; one submission).

Submission:

CeGaT Center for Human Genetics Tuebingen
Classification: Likely benign. Last evaluated: 2024-01-01. Review status: criteria provided, single submitter. Criteria: CeGaT Center For Human Genetics Tuebingen Variant Classification Criteria Version 2. Collection method: clinical testing. Allele origin: germline. Affected: yes. Observed: 1 variant allele.
Comment: CYP1A1: BS2